The following is an entry in ClinVar:

ClinVar aggregate classification (germline): Benign (1 of 4 stars; one submission).

Conditions:
Disorders of Intracellular Cobalamin Metabolism. Identifiers: MedGen CN043592.

Allele frequency attached by ClinVar (database versions not stated): 1000 Genomes Project 30x 0.01187; 1000 Genomes Project 0.01198; TOPMed 0.02114; gnomAD exomes 0.02236.
gnomAD v4.1: 3,440 of 152,632 alleles (2.3%); highest among the groups gnomAD compares: Non-Finnish European, 3.6%; 56 homozygotes.

Submission:

Illumina Laboratory Services, Illumina
Classification: Benign for Disorders of Intracellular Cobalamin Metabolism. Last evaluated: 2018-01-12. Review status: criteria provided, single submitter. Criteria: ICSL Variant Classification Criteria 13 December 2019. Collection method: clinical testing. Allele origin: germline.
Comment: This variant was observed in the ICSL laboratory as part of a predisposition screen in an ostensibly healthy population. It had not been previously curated by ICSL or reported in the Human Gene Mutation Database (HGMD: prior to June 1st, 2018), and was therefore a candidate for classification through an automated scoring system. Utilizing variant allele frequency, disease prevalence and penetrance estimates, and inheritance mode, an automated score was calculated to assess if this variant is too frequent to cause the disease. Based on the score and internal cut-off values, a variant classified as benign is not then subjected to further curation. The score for this variant resulted in a classification of benign for this disease.

NM_000254.3(MTR):c.*3174C>T

Gene: MTR (5-methyltetrahydrofolate-homocysteine methyltransferase; plus strand). Cytogenetic location: 1q43.
Variant type: single nucleotide variant.
Coding change: c.*3174C>T on transcript NM_000254.3 (MANE Select); 3174 bases downstream of the stop codon, C replaced by T.
Molecular consequence: 3 prime UTR variant.
Genome position (GRCh38, 1-based): chr1:236,900,818, C>T. VCF-style: chr1-236900818-C-T. GRCh37 (hg19) VCF-style: chr1-237064118-C-T.
Other names: c.*3174C>T (NM_001291939.1, NM_001291940.2).
Identifiers: ClinVar variation 296644 (VCV000296644.5), dbSNP rs41305961, ClinGen allele CA10610526.